The following is an entry in ClinVar:

NM_001379200.1(TBX1):c.1036+6G>A

Gene: TBX1 (T-box transcription factor 1; plus strand). Cytogenetic location: 22q11.21.
Variant type: single nucleotide variant.
Coding change: c.1036+6G>A on transcript NM_001379200.1 (MANE Select); 6 bases into the intron after coding-DNA position 1036, G replaced by A.
Molecular consequence: intron variant.
Genome position (GRCh38, 1-based): chr22:19,766,008, G>A. VCF-style: chr22-19766008-G-A. GRCh37 (hg19) VCF-style: chr22-19753531-G-A.
Other names: c.1009+6G>A (NM_005992.1, NM_080646.2, NM_080647.1).
Identifiers: ClinVar variation 2017108 (VCV002017108.4), dbSNP rs2145837231, ClinGen allele CA2580099140.

ClinVar aggregate classification (germline): Uncertain significance (1 of 4 stars; one submission).

Conditions:
DiGeorge syndrome. Also called: Catch22; THIRD AND FOURTH PHARYNGEAL POUCH SYNDROME. Identifiers: Orphanet 567, MedGen C0012236, MONDO:0008564, OMIM 188400.

Submission:

Labcorp Genetics (formerly Invitae), Labcorp
Classification: Uncertain significance for DiGeorge syndrome. Last evaluated: 2022-07-14. Review status: criteria provided, single submitter. Criteria: Invitae Variant Classification Sherloc (09022015). Collection method: clinical testing. Allele origin: germline.
Comment: Variants that disrupt the consensus splice site are a relatively common cause of aberrant splicing (PMID: 17576681, 9536098). Algorithms developed to predict the effect of sequence changes on RNA splicing suggest that this variant is not likely to affect RNA splicing. In summary, the available evidence is currently insufficient to determine the role of this variant in disease. Therefore, it has been classified as a Variant of Uncertain Significance. This variant has not been reported in the literature in individuals affected with TBX1-related conditions. This variant is not present in population databases (gnomAD no frequency). This sequence change falls in intron 8 of the TBX1 gene. It does not directly change the encoded amino acid sequence of the TBX1 protein. It affects a nucleotide within the consensus splice site.

Literature cited by the submitters: PubMed 17576681; PubMed 9536098.